The following is an entry in ClinVar:

ClinVar aggregate classification (germline): Uncertain significance. Review status: criteria provided, multiple submitters, no conflicts (2 of 4 stars). 2 submissions from 2 submitters: Uncertain significance (2). Last evaluated 2025-06-04.

Conditions:
Cardiovascular phenotype. Identifiers: MedGen CN230736.
Hypertrophic cardiomyopathy 14. Identifiers: MedGen C2750467, MONDO:0013197, OMIM 613251.

Submissions (2):

Labcorp Genetics (formerly Invitae), Labcorp
Classification: Uncertain significance for Hypertrophic cardiomyopathy 14. Last evaluated: 2025-06-04. Review status: criteria provided, single submitter. Criteria: Invitae Variant Classification Sherloc (09022015). Collection method: clinical testing. Allele origin: germline.
Comment: This sequence change replaces threonine, which is neutral and polar, with alanine, which is neutral and non-polar, at codon 545 of the MYH6 protein (p.Thr545Ala). This variant is not present in population databases (gnomAD no frequency). This variant has not been reported in the literature in individuals affected with MYH6-related conditions. ClinVar contains an entry for this variant (Variation ID: 1776872). Invitae Evidence Modeling of protein sequence and biophysical properties (such as structural, functional, and spatial information, amino acid conservation, physicochemical variation, residue mobility, and thermodynamic stability) indicates that this missense variant is expected to disrupt MYH6 protein function with a positive predictive value of 80%. In summary, the available evidence is currently insufficient to determine the role of this variant in disease. Therefore, it has been classified as a Variant of Uncertain Significance.

Ambry Genetics
Classification: Uncertain significance for Cardiovascular phenotype. Last evaluated: 2022-08-22. Review status: criteria provided, single submitter. Criteria: Ambry Variant Classification Scheme 2023. Collection method: clinical testing. Allele origin: germline.
Comment: The p.T545A variant (also known as c.1633A>G), located in coding exon 13 of the MYH6 gene, results from an A to G substitution at nucleotide position 1633. The threonine at codon 545 is replaced by alanine, an amino acid with similar properties. This amino acid position is conserved. In addition, this alteration is predicted to be tolerated by in silico analysis. Since supporting evidence is limited at this time, the clinical significance of this alteration remains unclear.

NM_002471.4(MYH6):c.1633A>G (p.Thr545Ala)

Gene: MYH6 (myosin heavy chain 6; minus strand). Cytogenetic location: 14q11.2.
Variant type: single nucleotide variant.
Coding change: c.1633A>G on transcript NM_002471.4 (MANE Select); coding-DNA position 1633, A replaced by G.
Protein change: p.Thr545Ala; replaces threonine 545 with alanine.
Molecular consequence: missense variant.
Genome position (GRCh38, 1-based): chr14:23,398,986, T>C on the plus strand (A>G on the coding strand, the complement: MYH6 is on the minus strand). VCF-style: chr14-23398986-T-C. GRCh37 (hg19) VCF-style: chr14-23868195-T-C.
Other names: short protein forms T545A.
Identifiers: ClinVar variation 1776872 (VCV001776872.5), dbSNP rs2502187881, ClinGen allele CA389020952.